The following is an entry in ClinVar:

NM_020843.4(SCAPER):c.3986A>G (p.His1329Arg)

Gene: SCAPER (S-phase cyclin A associated protein in the ER; minus strand). Cytogenetic location: 15q24.3.
Variant type: single nucleotide variant.
Coding change: c.3986A>G on transcript NM_020843.4 (MANE Select); coding-DNA position 3986, A replaced by G.
Protein change: p.His1329Arg; replaces histidine 1329 with arginine.
Molecular consequence: missense variant. On other transcripts: non-coding transcript variant (1).
Genome position (GRCh38, 1-based): chr15:76,354,010, T>C on the plus strand (A>G on the coding strand, the complement: SCAPER is on the minus strand). VCF-style: chr15-76354010-T-C. GRCh37 (hg19) VCF-style: chr15-76646351-T-C.
Other names: c.3248A>G, p.His1083Arg (NM_001145923.2); c.4004A>G, p.His1335Arg (NM_001353009.2); c.3584A>G, p.His1195Arg (NM_001353010.2, NM_001353012.2); c.3602A>G, p.His1201Arg (NM_001353011.2); short protein forms H1329R, H1195R, H1201R, H1335R, H1083R.
Identifiers: ClinVar variation 5000957 (VCV005000957.1).

ClinVar aggregate classification (germline): Uncertain significance (1 of 4 stars; one submission).

Conditions:
SCAPER-related disorder. Also called: SCAPER-related condition.

gnomAD v4.1: 13 of 1,606,188 alleles (0.00081%); highest among the groups gnomAD compares: African/African-American, 0.0054%; no homozygotes.

Submission:

PreventionGenetics, part of Exact Sciences
Classification: Uncertain significance for SCAPER-related condition. Last evaluated: 2025-08-03. Review status: criteria provided, single submitter. Criteria: ACMG Guidelines, 2015. Collection method: clinical testing. Allele origin: germline.
Comment: The SCAPER c.4004A>G variant is predicted to result in the amino acid substitution p.His1335Arg. To our knowledge, this variant has not been reported in the literature. This variant is reported in 0.00090% of alleles in individuals of European (Non-Finnish) descent in gnomAD. At this time, the clinical significance of this variant is uncertain due to the absence of conclusive functional and genetic evidence.